The following is an entry in ClinVar:

NM_017662.5(TRPM6):c.2929A>G (p.Met977Val)

Gene: TRPM6 (transient receptor potential cation channel subfamily M member 6; minus strand). Cytogenetic location: 9q21.13.
Variant type: single nucleotide variant.
Coding change: c.2929A>G on transcript NM_017662.5 (MANE Select); coding-DNA position 2929, A replaced by G.
Protein change: p.Met977Val; replaces methionine 977 with valine.
Molecular consequence: missense variant.
Genome position (GRCh38, 1-based): chr9:74,782,844, T>C on the plus strand (A>G on the coding strand, the complement: TRPM6 is on the minus strand). VCF-style: chr9-74782844-T-C. GRCh37 (hg19) VCF-style: chr9-77397760-T-C.
Other names: c.2914A>G, p.Met972Val (NM_001177310.2, NM_001177311.2); short protein forms M972V, M977V.
Identifiers: ClinVar variation 2023277 (VCV002023277.4), dbSNP rs1827512653, ClinGen allele CA373671725.

ClinVar aggregate classification (germline): Uncertain significance (1 of 4 stars; one submission).

Allele frequency attached by ClinVar (database versions not stated): TOPMed below 0.00001.

Submission:

Labcorp Genetics (formerly Invitae), Labcorp
Classification: Uncertain significance. Last evaluated: 2022-08-09. Review status: criteria provided, single submitter. Criteria: Invitae Variant Classification Sherloc (09022015). Collection method: clinical testing. Allele origin: germline.
Comment: This sequence change replaces methionine, which is neutral and non-polar, with valine, which is neutral and non-polar, at codon 977 of the TRPM6 protein (p.Met977Val). This variant is not present in population databases (gnomAD no frequency). This variant has not been reported in the literature in individuals affected with TRPM6-related conditions. Algorithms developed to predict the effect of missense changes on protein structure and function are either unavailable or do not agree on the potential impact of this missense change (SIFT: "Deleterious"; PolyPhen-2: "Benign"; Align-GVGD: "Class C15"). In summary, the available evidence is currently insufficient to determine the role of this variant in disease. Therefore, it has been classified as a Variant of Uncertain Significance.